The following is an entry in ClinVar:

ClinVar aggregate classification (germline): Conflicting classifications of pathogenicity. Review status: criteria provided, conflicting classifications (1 of 4 stars). 9 submissions from 5 submitters: Uncertain significance (5); Benign (1); Likely benign (2). 1 of the submissions does not count toward it. Last evaluated 2026-01-18.

Conditions:
TTN-related disorder. Also called: TTN-related condition; TTN-related disease; TTN-related disorders.
Autosomal recessive limb-girdle muscular dystrophy type 2J (LGMDR10). Also called: MUSCULAR DYSTROPHY, LIMB-GIRDLE, AUTOSOMAL RECESSIVE 10; Limb-girdle muscular dystrophy, type 2J. Identifiers: Orphanet 140922, MedGen C1837342, MONDO:0012127, OMIM 608807.
Dilated cardiomyopathy 1G (CMD1G). Identifiers: Orphanet 154, MedGen C1858763, MONDO:0011400, OMIM 604145.
Early-onset myopathy with fatal cardiomyopathy (CMYO5). Also called: CONGENITAL MYOPATHY 5 WITH CARDIOMYOPATHY; Salih Myopathy. Identifiers: Orphanet 289377, MedGen C2673677, MONDO:0012714, OMIM 611705. Disease mechanism: loss of function.
Tibial muscular dystrophy (TMD). Also called: Tibial muscular dystrophy, tardive; Udd Distal Myopathy – Tibial Muscular Dystrophy; UDD MYOPATHY. Identifiers: Orphanet 609, MedGen C1838244, MONDO:0010870, OMIM 600334.
Myopathy, myofibrillar, 9, with early respiratory failure (MFM9). Also called: EDSTROM MYOPATHY; Hereditary myopathy with early respiratory failure; MYOPATHY, PROXIMAL, WITH EARLY RESPIRATORY MUSCLE INVOLVEMENT; Myopathy, distal, with early respiratory failure, autosomal dominant. Identifiers: Orphanet 178464, Orphanet 34521, MedGen C1863599, MONDO:0011362, OMIM 603689.

Allele frequency attached by ClinVar (database versions not stated): ExAC 0.00003; gnomAD exomes 0.00004 and 0.00017; TOPMed 0.00005; gnomAD 0.00006 and 0.00008; ESP Exome Variant Server 0.00008.
gnomAD v4.1: 259 of 1,613,978 alleles (0.016%); highest among the groups gnomAD compares: Non-Finnish European, 0.02%; 1 homozygote.

Submissions (9):

Labcorp Genetics (formerly Invitae), Labcorp
Classification: Likely benign for Dilated cardiomyopathy 1G; Autosomal recessive limb-girdle muscular dystrophy type 2J. Last evaluated: 2026-01-18. Review status: criteria provided, single submitter. Criteria: Invitae Variant Classification Sherloc (09022015). Collection method: clinical testing. Allele origin: germline.

Blueprint Genetics
Classification: Likely benign. Last evaluated: 2024-10-30. Review status: criteria provided, single submitter. Criteria: ACMG Guidelines, 2015. Collection method: clinical testing. Allele origin: germline.

Illumina Laboratory Services, Illumina
Classification: Uncertain significance for Autosomal recessive limb-girdle muscular dystrophy type 2J. Last evaluated: 2018-01-13. Review status: criteria provided, single submitter. Criteria: ICSL Variant Classification Criteria 13 December 2019. Collection method: clinical testing. Allele origin: germline.

Illumina Laboratory Services, Illumina
Classification: Uncertain significance for Tibial muscular dystrophy. Last evaluated: 2018-01-13. Review status: criteria provided, single submitter. Criteria: ICSL Variant Classification Criteria 13 December 2019. Collection method: clinical testing. Allele origin: germline.

Illumina Laboratory Services, Illumina
Classification: Uncertain significance for Early-onset myopathy with fatal cardiomyopathy. Last evaluated: 2018-01-13. Review status: criteria provided, single submitter. Criteria: ICSL Variant Classification Criteria 13 December 2019. Collection method: clinical testing. Allele origin: germline.

Illumina Laboratory Services, Illumina
Classification: Uncertain significance for Dilated cardiomyopathy 1G. Last evaluated: 2018-01-13. Review status: criteria provided, single submitter. Criteria: ICSL Variant Classification Criteria 13 December 2019. Collection method: clinical testing. Allele origin: germline.

Illumina Laboratory Services, Illumina
Classification: Uncertain significance for Myopathy, myofibrillar, 9, with early respiratory failure. Last evaluated: 2018-01-13. Review status: criteria provided, single submitter. Criteria: ICSL Variant Classification Criteria 13 December 2019. Collection method: clinical testing. Allele origin: germline.

GeneDx
Classification: Benign. Last evaluated: 2014-08-22. Review status: criteria provided, single submitter. Criteria: GeneDx Variant Classification (06012015). Collection method: clinical testing. Allele origin: germline. Affected: yes.
Comment: This variant is considered likely benign or benign based on one or more of the following criteria: it is a conservative change, it occurs at a poorly conserved position in the protein, it is predicted to be benign by multiple in silico algorithms, and/or has population frequency not consistent with disease.

PreventionGenetics, part of Exact Sciences
Classification: Likely benign for TTN-related condition. Last evaluated: 2024-01-09. Review status: no assertion criteria provided. Collection method: clinical testing. Allele origin: germline. Not counted in ClinVar's aggregate classification.
Comment: This variant is classified as likely benign based on ACMG/AMP sequence variant interpretation guidelines (Richards et al. 2015 PMID: 25741868, with internal and published modifications).

NM_001267550.2(TTN):c.1743G>A (p.Pro581=)

Gene: TTN (titin; minus strand). Cytogenetic location: 2q31.2.
Variant type: single nucleotide variant.
Coding change: c.1743G>A on transcript NM_001267550.2 (MANE Select); coding-DNA position 1743, G replaced by A.
Protein change: p.Pro581=; no amino-acid change (proline 581 retained).
Molecular consequence: synonymous variant. On other transcripts: intron variant (3).
Genome position (GRCh38, 1-based): chr2:178,790,765, C>T on the plus strand (G>A on the coding strand, the complement: TTN is on the minus strand). VCF-style: chr2-178790765-C-T. GRCh37 (hg19) VCF-style: chr2-179655492-C-T.
Other names: p.P581P:CCG>CCA; c.1743G>A, p.Pro581= (NM_133379.5, NM_001256850.1, NM_133378.4); c.1663-650G>A (NM_003319.4, NM_133437.4, NM_133432.3).
Identifiers: ClinVar variation 202265 (VCV000202265.17), dbSNP rs138560523, ClinGen allele CA308931.